The following is an entry in ClinVar:

NM_022173.4(TIA1):c.1040C>T (p.Thr347Ile)

Gene: TIA1 (TIA1 cytotoxic granule associated RNA binding protein; minus strand). Cytogenetic location: 2p13.3.
Variant type: single nucleotide variant.
Coding change: c.1040C>T on transcript NM_022173.4 (MANE Select); coding-DNA position 1040, C replaced by T.
Protein change: p.Thr347Ile; replaces threonine 347 with isoleucine.
Molecular consequence: missense variant. On other transcripts: non-coding transcript variant (17).
Genome position (GRCh38, 1-based): chr2:70,212,840, G>A on the plus strand (C>T on the coding strand, the complement: TIA1 is on the minus strand). VCF-style: chr2-70212840-G-A. GRCh37 (hg19) VCF-style: chr2-70439972-G-A.
Other names: p.Thr347Ile; c.1037C>T, p.Thr346Ile (NM_001351508.2); c.1013C>T, p.Thr338Ile (NM_001351509.2); c.1004C>T, p.Thr335Ile (NM_001351510.2); c.929C>T, p.Thr310Ile (NM_001351511.1); c.902C>T, p.Thr301Ile (NM_001351512.1); c.896C>T, p.Thr299Ile (NM_001351513.1); c.812C>T, p.Thr271Ile (NM_001351514.2); and 4 more; short protein forms T206I, T207I, T246I, T271I, T299I, T301I, T310I, T335I.
Identifiers: ClinVar variation 1693815 (VCV001693815.5), dbSNP rs1676846528, ClinGen allele CA347149446.

ClinVar aggregate classification (germline): Uncertain significance. Review status: criteria provided, multiple submitters, no conflicts (2 of 4 stars). 2 submissions from 2 submitters: Uncertain significance (2). Last evaluated 2025-05-19.

Conditions:
Welander distal myopathy (WDM). Also called: Welander distal myopathy, Swedish type; Distal myopathy, Swedish type; Gower's muscular dystrophy; MUSCULAR DYSTROPHY, DISTAL, LATE-ONSET, AUTOSOMAL DOMINANT. Identifiers: Orphanet 603, MedGen C0221054, MONDO:0011466, OMIM 604454.

Submissions (2):

Labcorp Genetics (formerly Invitae), Labcorp
Classification: Uncertain significance for Welander distal myopathy. Last evaluated: 2025-05-19. Review status: criteria provided, single submitter. Criteria: Invitae Variant Classification Sherloc (09022015). Collection method: clinical testing. Allele origin: germline.
Comment: This sequence change replaces threonine, which is neutral and polar, with isoleucine, which is neutral and non-polar, at codon 347 of the TIA1 protein (p.Thr347Ile). This variant is not present in population databases (gnomAD no frequency). This variant has not been reported in the literature in individuals affected with TIA1-related conditions. ClinVar contains an entry for this variant (Variation ID: 1693815). An algorithm developed to predict the effect of missense changes on protein structure and function (PolyPhen-2) suggests that this variant is likely to be tolerated. In summary, the available evidence is currently insufficient to determine the role of this variant in disease. Therefore, it has been classified as a Variant of Uncertain Significance.

Mayo Clinic Laboratories, Mayo Clinic
Classification: Uncertain significance. Last evaluated: 2021-07-07. Review status: criteria provided, single submitter. Criteria: ACMG Guidelines, 2015. Collection method: clinical testing. Allele origin: germline.